The following is an entry in ClinVar:

NM_000925.4(PDHB):c.*243A>C

Gene: PDHB (pyruvate dehydrogenase E1 subunit beta; minus strand). Cytogenetic location: 3p14.3.
Variant type: single nucleotide variant.
Coding change: c.*243A>C on transcript NM_000925.4 (MANE Select); 243 bases downstream of the stop codon, A replaced by C.
Molecular consequence: 3 prime UTR variant. On other transcripts: non-coding transcript variant (1).
Genome position (GRCh38, 1-based): chr3:58,427,791, T>G on the plus strand (A>C on the coding strand, the complement: PDHB is on the minus strand). VCF-style: chr3-58427791-T-G. GRCh37 (hg19) VCF-style: chr3-58413518-T-G.
Other names: c.*243A>C (NM_001173468.2, NM_001315536.2).
Identifiers: ClinVar variation 346400 (VCV000346400.8), dbSNP rs1126722, ClinGen allele CA2471336.

ClinVar aggregate classification (germline): Benign. Review status: criteria provided, multiple submitters, no conflicts (2 of 4 stars). 3 submissions from 3 submitters: Benign (3). Last evaluated 2018-06-23.

Conditions:
Pyruvate dehydrogenase E1-beta deficiency (PDHBD). Identifiers: Orphanet 255138, Orphanet 765, MedGen C3279841, MONDO:0013580, OMIM 614111.

Allele frequency attached by ClinVar (database versions not stated): 1000 Genomes Project 0.20048; 1000 Genomes Project 30x 0.20643; gnomAD exomes 0.29017 and 0.31468; gnomAD 0.29086 and 0.29583; TOPMed 0.29343; ExAC 0.29444.

Submissions (3):

GeneDx
Classification: Benign. Last evaluated: 2018-06-23. Review status: criteria provided, single submitter. Criteria: GeneDx Variant Classification Process June 2021. Collection method: clinical testing. Allele origin: germline. Affected: yes.

Illumina Laboratory Services, Illumina
Classification: Benign for Pyruvate dehydrogenase E1-beta deficiency. Last evaluated: 2018-01-12. Review status: criteria provided, single submitter. Criteria: ICSL Variant Classification Criteria 13 December 2019. Collection method: clinical testing. Allele origin: germline.
Comment: This variant was observed in the ICSL laboratory as part of a predisposition screen in an ostensibly healthy population. It had not been previously curated by ICSL or reported in the Human Gene Mutation Database (HGMD: prior to June 1st, 2018), and was therefore a candidate for classification through an automated scoring system. Utilizing variant allele frequency, disease prevalence and penetrance estimates, and inheritance mode, an automated score was calculated to assess if this variant is too frequent to cause the disease. Based on the score and internal cut-off values, a variant classified as benign is not then subjected to further curation. The score for this variant resulted in a classification of benign for this disease.

Breakthrough Genomics
Classification: Benign. Review status: criteria provided, single submitter. Criteria: ACMG Guidelines, 2015. Collection method: not provided. Allele origin: germline. Inheritance: Autosomal recessive inheritance. Affected: yes.